The following is an entry in ClinVar:

GRCh37/hg19 17p12(chr17:14087934-15491532)x1

Genes: TVP23C (trans-golgi network vesicle protein 23 homolog C; minus strand), TVP23C-CDRT4 (TVP23C-CDRT4 readthrough; minus strand), CDRT15 (CMT1A duplicated region transcript 15; minus strand), CDRT4 (CMT1A duplicated region transcript 4; minus strand), COX10 (cytochrome c oxidase assembly factor heme A:farnesyltransferase COX10; plus strand) and 3 more. Cytogenetic location: 17p12.
Variant type: copy number loss.
Change: copy number 1 (one copy instead of two) of chr17:14,087,934-15,491,532 (1.40 Mb, GRCh37 coordinates, 1-based), cytogenetic band 17p12.
Identifiers: ClinVar variation 1808684 (VCV001808684.2).

ClinVar aggregate classification (germline): Pathogenic (1 of 4 stars; one submission).

Submission:

Quest Diagnostics Nichols Institute San Juan Capistrano
Classification: Pathogenic. Last evaluated: 2025-01-16. Review status: criteria provided, single submitter. Criteria: ACMG/ClinGen CNV Guidelines, 2019. Collection method: clinical testing. Allele origin: unknown.
Comment: This copy number loss represents the recurrent deletion of 17p12, including PMP22 (OMIM 601097). Deletions involving PMP22 are associated with hereditary neuropathy with liability to pressure palsies (HNPP; OMIM 162500, ISCA-37436). This recurrent deletion is responsible for the majority of HNPP cases; however, some carriers of the deletion have few symptoms (Cho 2014, Chrestian 2020, Inoue 2001, van de Wetering 2002). This copy number variant is classified as pathogenic with variable phenotypic expressivity. References: Cho et al., Case Rep Genet. 2014:2014:946010. PMID: 25506001 Chrestian et al. GeneReviews [Internet]. Seattle (WA): University of Washington, Seattle; 1993. 1998 Sep 28 [updated 2020 Aug 27]. PMID 20301566 Inoue et al., Genome Res. 2001 Jun;11(6):1018-33. PMID: 11381029 van de Wetering et al., Neuromuscul Disord. 2002 Oct;12(7-8):651-5. PMID: 12207933